The following is an entry in ClinVar:

NM_001023570.4(IQCB1):c.539T>C (p.Ile180Thr)

Gene: IQCB1 (IQ motif containing B1; minus strand). Cytogenetic location: 3q13.33.
Variant type: single nucleotide variant.
Coding change: c.539T>C on transcript NM_001023570.4 (MANE Select); coding-DNA position 539, T replaced by C.
Protein change: p.Ile180Thr; replaces isoleucine 180 with threonine.
Molecular consequence: missense variant. On other transcripts: non-coding transcript variant (1).
Genome position (GRCh38, 1-based): chr3:121,807,392, A>G on the plus strand (T>C on the coding strand, the complement: IQCB1 is on the minus strand). VCF-style: chr3-121807392-A-G. GRCh37 (hg19) VCF-style: chr3-121526239-A-G.
Other names: c.539T>C, p.Ile180Thr (NM_001023571.4, NM_001319107.2); short protein forms I180T.
Identifiers: ClinVar variation 1046947 (VCV001046947.8), dbSNP rs1336635253, ClinGen allele CA354105516.

ClinVar aggregate classification (germline): Uncertain significance (1 of 4 stars; one submission).

Conditions:
Nephronophthisis. Also called: Juvenile Nephronophthisis. Identifiers: Orphanet 655, MedGen C0687120, MONDO:0019005, HP:0000090.

Allele frequency attached by ClinVar (database versions not stated): gnomAD exomes 0.00001 and 0.00002; TOPMed 0.00002.
gnomAD v4.1: 27 of 1,585,188 alleles (0.0017%); highest among the groups gnomAD compares: East Asian, 0.045%; 1 homozygote.

Submission:

Labcorp Genetics (formerly Invitae), Labcorp
Classification: Uncertain significance for Nephronophthisis. Last evaluated: 2024-02-23. Review status: criteria provided, single submitter. Criteria: Invitae Variant Classification Sherloc (09022015). Collection method: clinical testing. Allele origin: germline.
Comment: This sequence change replaces isoleucine, which is neutral and non-polar, with threonine, which is neutral and polar, at codon 180 of the IQCB1 protein (p.Ile180Thr). This variant is present in population databases (no rsID available, gnomAD 0.02%). This variant has not been reported in the literature in individuals affected with IQCB1-related conditions. ClinVar contains an entry for this variant (Variation ID: 1046947). Advanced modeling of protein sequence and biophysical properties (such as structural, functional, and spatial information, amino acid conservation, physicochemical variation, residue mobility, and thermodynamic stability) performed at Invitae indicates that this missense variant is not expected to disrupt IQCB1 protein function with a negative predictive value of 80%. In summary, the available evidence is currently insufficient to determine the role of this variant in disease. Therefore, it has been classified as a Variant of Uncertain Significance.